The following is an entry in ClinVar:

ClinVar aggregate classification (germline): Likely benign. Review status: criteria provided, multiple submitters, no conflicts (2 of 4 stars). 2 submissions from 2 submitters: Likely benign (2). Last evaluated 2026-02-03.

Allele frequency attached by ClinVar (database versions not stated): gnomAD 0.00003; gnomAD exomes 0.00004; TOPMed 0.00006; ExAC 0.00011.

Submissions (2):

Labcorp Genetics (formerly Invitae), Labcorp
Classification: Likely benign. Last evaluated: 2026-02-03. Review status: criteria provided, single submitter. Criteria: Invitae Variant Classification Sherloc (09022015). Collection method: clinical testing. Allele origin: germline.

CeGaT Center for Human Genetics Tuebingen
Classification: Likely benign. Last evaluated: 2025-12-01. Review status: criteria provided, single submitter. Criteria: CeGaT Center For Human Genetics Tuebingen Variant Classification Criteria Version 2. Collection method: clinical testing. Allele origin: germline. Affected: yes. Observed: 1 variant allele.
Comment: PACS2: BP4, BP7

NM_001100913.3(PACS2):c.123G>A (p.Leu41=)

Gene: PACS2 (phosphofurin acidic cluster sorting protein 2; plus strand). Cytogenetic location: 14q32.33.
Variant type: single nucleotide variant.
Coding change: c.123G>A on transcript NM_001100913.3 (MANE Select); coding-DNA position 123, G replaced by A.
Protein change: p.Leu41=; no amino-acid change (leucine 41 retained).
Molecular consequence: synonymous variant. On other transcripts: 5 prime UTR variant (1).
Genome position (GRCh38, 1-based): chr14:105,348,496, G>A. VCF-style: chr14-105348496-G-A. GRCh37 (hg19) VCF-style: chr14-105814833-G-A.
Other names: c.-79G>A (NM_001243127.3); c.123G>A, p.Leu41= (NM_015197.4).
Identifiers: ClinVar variation 2199859 (VCV002199859.9), dbSNP rs781873860, ClinGen allele CA7388261.